The following is an entry in ClinVar:

NM_005413.4(SIX3):c.96C>T (p.Ser32=)

Gene: SIX3 (SIX homeobox 3; plus strand). Cytogenetic location: 2p21.
Variant type: single nucleotide variant.
Coding change: c.96C>T on transcript NM_005413.4 (MANE Select); coding-DNA position 96, C replaced by T.
Protein change: p.Ser32=; no amino-acid change (serine 32 retained).
Molecular consequence: synonymous variant.
Genome position (GRCh38, 1-based): chr2:44,942,200, C>T. VCF-style: chr2-44942200-C-T. GRCh37 (hg19) VCF-style: chr2-45169339-C-T.
Identifiers: ClinVar variation 697780 (VCV000697780.12), dbSNP rs202214767, ClinGen allele CA1642256.
Genomic context (GRCh38, chr2:44,942,200, plus strand): 5'-CCACTTCTTGTTGCCAAACTTCGCCGATTCTCACCACCGCTCCATACTTCTGGCGAGTAG[C>T]GGCGGCGGGAACGGTGCGGGAGGCGGCGGCGGCGCGGGAGGCGGCAGCGGCGGCGGGAAC-3'
Protein context (NP_005404.1, residues 22-42): SHHRSILLAS[Ser32=]GGGNGAGGGG

ClinVar aggregate classification (germline): Likely benign. Review status: criteria provided, single submitter (1 of 4 stars). 2 submissions from 2 submitters: Likely benign (1). 1 of the submissions does not count toward it. Last evaluated 2025-02-03.

Conditions:
SIX3-related disorder. Also called: SIX3-related condition; SIX3-Related Disorders.
Holoprosencephaly 2 (HPE2). Identifiers: Orphanet 2162, MedGen C1834877, MONDO:0007999, OMIM 157170.

Allele frequency attached by ClinVar (database versions not stated): ExAC 0.00008; gnomAD exomes 0.00009; TOPMed 0.00041; gnomAD 0.00042 and 0.00044; ESP Exome Variant Server 0.00056; 1000 Genomes Project 30x 0.00078; 1000 Genomes Project 0.00100.
gnomAD v4.1: 117 of 1,595,410 alleles (0.0073%); highest among the groups gnomAD compares: African/African-American, 0.15%; no homozygotes.

Submissions (2):

Labcorp Genetics (formerly Invitae), Labcorp
Classification: Likely benign for Holoprosencephaly 2. Last evaluated: 2025-02-03. Review status: criteria provided, single submitter. Criteria: Invitae Variant Classification Sherloc (09022015). Collection method: clinical testing. Allele origin: germline.

PreventionGenetics, part of Exact Sciences
Classification: Likely benign for SIX3-related condition. Last evaluated: 2023-09-08. Review status: no assertion criteria provided. Collection method: clinical testing. Allele origin: germline. Not counted in ClinVar's aggregate classification.
Comment: This variant is classified as likely benign based on ACMG/AMP sequence variant interpretation guidelines (Richards et al. 2015 PMID: 25741868, with internal and published modifications).